The following is an entry in ClinVar:

ClinVar aggregate classification (germline): Uncertain significance (1 of 4 stars; one submission).

Submission:

Labcorp Genetics (formerly Invitae), Labcorp
Classification: Uncertain significance. Last evaluated: 2025-11-27. Review status: criteria provided, single submitter. Criteria: Invitae Variant Classification Sherloc (09022015). Collection method: clinical testing. Allele origin: germline.
Comment: This sequence change creates a premature translational stop signal (p.Ser860Cysfs*26) in the PITRM1 gene. It is expected to result in an absent or disrupted protein product. However, the current clinical and genetic evidence is not sufficient to establish whether loss-of-function variants in PITRM1 cause disease. This variant is present in population databases (rs746829822, gnomAD 0.06%). This variant has not been reported in the literature in individuals affected with PITRM1-related conditions. In summary, the available evidence is currently insufficient to determine the role of this variant in disease. Therefore, it has been classified as a Variant of Uncertain Significance.

NM_014889.4(PITRM1):c.2873_2874del (p.Ser958fs)

Gene: PITRM1 (pitrilysin metallopeptidase 1; minus strand). Cytogenetic location: 10p15.2.
Variant type: Deletion.
Coding change: c.2873_2874del on transcript NM_014889.4 (MANE Select); coding-DNA positions 2873 to 2874, 2 bases deleted (CT; older notation c.2873_2874delCT).
Protein change: p.Ser958fs; shifts the reading frame from serine 958.
Molecular consequence: frameshift variant. On other transcripts: non-coding transcript variant (4).
Genome position (GRCh38, 1-based): chr10:3,138,947-3,138,948, AG deleted on the plus strand (CT on the coding strand, the reverse complement: PITRM1 is on the minus strand); deleting any 2 consecutive bases within chr10:3,138,947-3,138,949 gives the same sequence; the c. name uses the placement nearest the transcript's 3' end. VCF-style (leftmost placement, unchanged base first): chr10-3138946-CAG-C. GRCh37 (hg19) VCF-style: chr10-3181138-CAG-C.
Other names: c.2876_2877del, p.Ser959fs (NM_001242307.2); c.2579_2580del, p.Ser860fs (NM_001242309.1); c.2675_2676del, p.Ser892fs (NM_001347725.2); c.2060_2061del, p.Ser687fs (NM_001347726.2); c.2258_2259del, p.Ser753fs (NM_001347727.2); c.1568_1569del, p.Ser523fs (NM_001347728.2); c.2849_2850del, p.Ser950fs (NM_001347729.1); c.2651_2652del, p.Ser884fs (NM_001347730.1); short protein forms S687fs, S860fs, S884fs, S523fs, S892fs, S958fs, S753fs, S950fs.
Identifiers: ClinVar variation 4750870 (VCV004750870.1).